The following is an entry in ClinVar:

ClinVar aggregate classification (germline): Uncertain significance. Review status: criteria provided, multiple submitters, no conflicts (2 of 4 stars). 2 submissions from 2 submitters: Uncertain significance (2). Last evaluated 2026-01-26.

Conditions:
PLXNA1-related disorder. Also called: PLXNA1-related condition.

Allele frequency attached by ClinVar (database versions not stated): ExAC 0.00002; gnomAD 0.00003; TOPMed 0.00005.
gnomAD v4.1: 40 of 1,613,576 alleles (0.0025%); highest among the groups gnomAD compares: Admixed American, 0.018%; no homozygotes.

Submissions (2):

PreventionGenetics, part of Exact Sciences
Classification: Uncertain significance for PLXNA1-related condition. Last evaluated: 2026-01-26. Review status: criteria provided, single submitter. Criteria: ACMG Guidelines, 2015. Collection method: clinical testing. Allele origin: germline.
Comment: The PLXNA1 c.2149G>A variant is predicted to result in the amino acid substitution p.Val717Met. To our knowledge, this variant has not been reported in the literature. This variant is reported in 0.026% of alleles in individuals of Latino descent in gnomAD. At this time, the clinical significance of this variant is uncertain due to the absence of conclusive functional and genetic evidence.

Ambry Genetics
Classification: Uncertain significance. Last evaluated: 2025-08-21. Review status: criteria provided, single submitter. Criteria: Ambry Variant Classification Scheme 2023. Collection method: clinical testing. Allele origin: germline.

NM_032242.4(PLXNA1):c.2149G>A (p.Val717Met)

Gene: PLXNA1 (plexin A1; plus strand). Cytogenetic location: 3q21.3.
Variant type: single nucleotide variant.
Coding change: c.2149G>A on transcript NM_032242.4 (MANE Select); coding-DNA position 2149, G replaced by A.
Protein change: p.Val717Met; replaces valine 717 with methionine.
Molecular consequence: missense variant.
Genome position (GRCh38, 1-based): chr3:127,011,994, G>A. VCF-style: chr3-127011994-G-A. GRCh37 (hg19) VCF-style: chr3-126730837-G-A.
Other names: short protein forms V717M.
Identifiers: ClinVar variation 2203812 (VCV002203812.4), dbSNP rs755897446, ClinGen allele CA2593531.